The following is an entry in ClinVar:

NM_018006.5(TRMU):c.772+8G>A

Gene: TRMU (tRNA mitochondrial 2-thiouridylase; plus strand). Cytogenetic location: 22q13.31.
Variant type: single nucleotide variant.
Coding change: c.772+8G>A on transcript NM_018006.5 (MANE Select); 8 bases into the intron after coding-DNA position 772, G replaced by A.
Molecular consequence: intron variant.
Genome position (GRCh38, 1-based): chr22:46,352,338, G>A. VCF-style: chr22-46352338-G-A. GRCh37 (hg19) VCF-style: chr22-46748235-G-A.
Other names: c.772+8G>A (NM_001282785.2); c.430+8G>A (NM_001282782.2); c.352+8G>A (NM_001282783.2, NM_001282784.2).
Identifiers: ClinVar variation 286352 (VCV000286352.16), dbSNP rs201372242, ClinGen allele CA10292211.
Genomic context (GRCh38, chr22:46,352,338, plus strand): 5'-ACCTGGTCACTTTATTTCCATAGAAGACAATAAGGTTCTGGGAACACATAAAGGTGAGGT[G>A]CAGACTCTGCCACTTGTCATCTGAAATGCCTAGAGCTGTGGCGTTTCAGCTCTGGGAGAC-3'

ClinVar aggregate classification (germline): Conflicting classifications of pathogenicity. Review status: criteria provided, conflicting classifications (1 of 4 stars). 5 submissions from 5 submitters: Uncertain significance (1); Benign (1); Likely benign (1). 2 of the submissions do not count toward it. Last evaluated 2026-01-20.

Conditions:
TRMU-related disorder. Also called: TRMU-related condition.
Acute infantile liver failure due to synthesis defect of mtDNA-encoded proteins. Also called: TRMU Deficiency; Liver failure acute infantile; LIVER FAILURE, INFANTILE, TRANSIENT. Identifiers: Orphanet 217371, MedGen C3278664, MONDO:0013111, OMIM 613070.

Allele frequency attached by ClinVar (database versions not stated): gnomAD exomes 0.00003 and 0.00009; ExAC 0.00010; 1000 Genomes Project 30x 0.00016; 1000 Genomes Project 0.00020; TOPMed 0.00034; gnomAD 0.00043 and 0.00048; ESP Exome Variant Server 0.00054.
gnomAD v4.1: 126 of 1,613,946 alleles (0.0078%); highest among the groups gnomAD compares: African/African-American, 0.13%; no homozygotes.

Submissions (5):

Labcorp Genetics (formerly Invitae), Labcorp
Classification: Likely benign. Last evaluated: 2026-01-20. Review status: criteria provided, single submitter. Criteria: Invitae Variant Classification Sherloc (09022015). Collection method: clinical testing. Allele origin: germline.

Eurofins Ntd Llc (ga)
Classification: Uncertain significance. Last evaluated: 2018-06-26. Review status: criteria provided, single submitter. Criteria: EGL ClinVar v180209 classification definitions. Collection method: clinical testing. Allele origin: germline. Observed: 2 variant alleles, 2 heterozygotes.

GeneDx
Classification: Benign. Last evaluated: 2015-07-29. Review status: criteria provided, single submitter. Criteria: GeneDx Variant Classification (06012015). Collection method: clinical testing. Allele origin: germline. Affected: yes.
Comment: This variant is considered likely benign or benign based on one or more of the following criteria: it is a conservative change, it occurs at a poorly conserved position in the protein, it is predicted to be benign by multiple in silico algorithms, and/or has population frequency not consistent with disease.

PreventionGenetics, part of Exact Sciences
Classification: Likely benign for TRMU-related condition. Last evaluated: 2023-11-07. Review status: no assertion criteria provided. Collection method: clinical testing. Allele origin: germline. Not counted in ClinVar's aggregate classification.
Comment: This variant is classified as likely benign based on ACMG/AMP sequence variant interpretation guidelines (Richards et al. 2015 PMID: 25741868, with internal and published modifications).

Natera, Inc.
Classification: Likely benign for Acute infantile liver failure due to synthesis defect of mtDNA-encoded proteins. Last evaluated: 2020-08-24. Review status: no assertion criteria provided. Collection method: clinical testing. Allele origin: germline. Not counted in ClinVar's aggregate classification.